The following is an entry in ClinVar:

ClinVar aggregate classification (germline): Conflicting classifications of pathogenicity. Review status: criteria provided, conflicting classifications (1 of 4 stars). 2 submissions from 2 submitters: Uncertain significance (1); Likely benign (1). Last evaluated 2025-10-07.

Conditions:
Autosomal dominant nonsyndromic hearing loss 1. Also called: KONIGSMARK SYNDROME; DEAFNESS, AUTOSOMAL DOMINANT 1, WITH OR WITHOUT THROMBOCYTOPENIA. Identifiers: Orphanet 90635, MedGen C1852282, MONDO:0007424, OMIM 124900.
Progressive microcephaly-seizures-cortical blindness-developmental delay syndrome. Also called: Seizures, cortical blindness, and microcephaly syndrome. Identifiers: Orphanet 477814, MedGen C5567650, MONDO:0014714, OMIM 616632.

Allele frequency attached by ClinVar (database versions not stated): gnomAD 0.00001; TOPMed 0.00001; gnomAD exomes 0.00002; ExAC 0.00006.
gnomAD v4.1: 24 of 1,546,140 alleles (0.0016%); highest among the groups gnomAD compares: Non-Finnish European, 0.0021%; no homozygotes.

Submissions (2):

GeneDx
Classification: Uncertain significance. Last evaluated: 2025-10-07. Review status: criteria provided, single submitter. Criteria: GeneDx Variant Classification Process June 2021. Collection method: clinical testing. Allele origin: germline. Affected: yes.
Comment: In silico analysis indicates that this variant does not alter splicing; Has not been previously published as pathogenic or benign to our knowledge

Labcorp Genetics (formerly Invitae), Labcorp
Classification: Likely benign for Progressive microcephaly-seizures-cortical blindness-developmental delay syndrome; Autosomal dominant nonsyndromic hearing loss 1. Last evaluated: 2025-05-30. Review status: criteria provided, single submitter. Criteria: Invitae Variant Classification Sherloc (09022015). Collection method: clinical testing. Allele origin: germline.

NM_005219.5(DIAPH1):c.99C>T (p.Gly33=)

Gene: DIAPH1 (diaphanous related formin 1; minus strand). Cytogenetic location: 5q31.3.
Variant type: single nucleotide variant.
Coding change: c.99C>T on transcript NM_005219.5 (MANE Select); coding-DNA position 99, C replaced by T.
Protein change: p.Gly33=; no amino-acid change (glycine 33 retained).
Molecular consequence: synonymous variant.
Genome position (GRCh38, 1-based): chr5:141,618,816, G>A on the plus strand (C>T on the coding strand, the complement: DIAPH1 is on the minus strand). VCF-style: chr5-141618816-G-A. GRCh37 (hg19) VCF-style: chr5-140998383-G-A.
Other names: c.99C>T, p.Gly33= (NM_001079812.3, NM_001314007.2).
Identifiers: ClinVar variation 712533 (VCV000712533.10), dbSNP rs773440011, ClinGen allele CA3479706.